The following is an entry in ClinVar:

NM_030665.4(RAI1):c.627T>G (p.Phe209Leu)

Gene: RAI1 (retinoic acid induced 1; plus strand). Cytogenetic location: 17p11.2.
Variant type: single nucleotide variant.
Coding change: c.627T>G on transcript NM_030665.4 (MANE Select); coding-DNA position 627, T replaced by G.
Protein change: p.Phe209Leu; replaces phenylalanine 209 with leucine.
Molecular consequence: missense variant.
Genome position (GRCh38, 1-based): chr17:17,793,575, T>G. VCF-style: chr17-17793575-T-G. GRCh37 (hg19) VCF-style: chr17-17696889-T-G.
Other names: short protein forms F209L.
Identifiers: ClinVar variation 3346843 (VCV003346843.1).

ClinVar aggregate classification (germline): Uncertain significance (0 of 4 stars; one submission).

Conditions:
RAI1-related disorder. Also called: RAI1-related condition.

Submission:

PreventionGenetics, part of Exact Sciences
Classification: Uncertain significance for RAI1-related condition. Last evaluated: 2024-07-11. Review status: no assertion criteria provided. Collection method: clinical testing. Allele origin: germline.
Comment: The RAI1 c.627T>G variant is predicted to result in the amino acid substitution p.Phe209Leu. To our knowledge, this variant has not been reported in the literature or in a large population database, indicating this variant is rare. At this time, the clinical significance of this variant is uncertain due to the absence of conclusive functional and genetic evidence.